The following is an entry in ClinVar:

ClinVar aggregate classification (germline): Uncertain significance (1 of 4 stars; one submission).

Conditions:
Autosomal dominant hypocalcemia 1 (HYPOC1). Also called: HYPOCALCEMIA, FAMILIAL. Identifiers: MedGen C3715128, MONDO:0011013, OMIM 601198.
Familial hypocalciuric hypercalcemia (FHH). Also called: Familial benign hypercalcemia. Identifiers: Orphanet 405, MedGen C1809471, MONDO:0018458.

Allele frequency attached by ClinVar (database versions not stated): gnomAD exomes below 0.00001.
gnomAD v4.1: 1 of 1,614,178 alleles (0.000062%); highest among the groups gnomAD compares: Non-Finnish European, 0.000085%; no homozygotes.

Submission:

Labcorp Genetics (formerly Invitae), Labcorp
Classification: Uncertain significance for Familial hypocalciuric hypercalcemia; Autosomal dominant hypocalcemia 1. Last evaluated: 2018-10-30. Review status: criteria provided, single submitter. Criteria: Invitae Variant Classification Sherloc (09022015). Collection method: clinical testing. Allele origin: germline.
Comment: Experimental studies have shown that this missense change impairs the normal function of CASR protein (PMID: 14602739). In summary, the available evidence is currently insufficient to determine the role of this variant in disease. Therefore, it has been classified as a Variant of Uncertain Significance. This variant has been observed to segregate with familial hypocalciuric hypercalcemia in a family (PMID: 14602739). This variant is not present in population databases (ExAC no frequency). This sequence change replaces isoleucine with threonine at codon 212 of the CASR protein (p.Ile212Thr). The isoleucine residue is highly conserved and there is a moderate physicochemical difference between isoleucine and threonine.

Literature cited by the submitters: PubMed 14602739.

NM_000388.4(CASR):c.635T>C (p.Ile212Thr)

Gene: CASR (calcium sensing receptor; plus strand). Cytogenetic location: 3q21.1.
Variant type: single nucleotide variant.
Coding change: c.635T>C on transcript NM_000388.4 (MANE Select); coding-DNA position 635, T replaced by C.
Protein change: p.Ile212Thr; replaces isoleucine 212 with threonine.
Molecular consequence: missense variant.
Genome position (GRCh38, 1-based): chr3:122,261,670, T>C. VCF-style: chr3-122261670-T-C. GRCh37 (hg19) VCF-style: chr3-121980517-T-C.
Other names: c.635T>C, p.Ile212Thr (NM_001178065.2); short protein forms I212T.
Identifiers: ClinVar variation 656991 (VCV000656991.9), dbSNP rs1576858127, ClinGen allele CA354151017.